The following is an entry in ClinVar:

NM_015909.4(NBAS):c.5943+2T>C

Gene: NBAS (NBAS subunit of NRZ tethering complex; minus strand). Cytogenetic location: 2p24.3.
Variant type: single nucleotide variant.
Coding change: c.5943+2T>C on transcript NM_015909.4 (MANE Select); the canonical splice donor site of the intron after coding-DNA position 5943, T replaced by C.
Molecular consequence: splice donor variant.
Genome position (GRCh38, 1-based): chr2:15,238,466, A>G on the plus strand (T>C on the coding strand, the complement: NBAS is on the minus strand). VCF-style: chr2-15238466-A-G. GRCh37 (hg19) VCF-style: chr2-15378590-A-G.
Identifiers: ClinVar variation 3015440 (VCV003015440.3), dbSNP rs2528287611, ClinGen allele CA345890525.

ClinVar aggregate classification (germline): Likely pathogenic (1 of 4 stars; one submission).

Submission:

Labcorp Genetics (formerly Invitae), Labcorp
Classification: Likely pathogenic. Last evaluated: 2025-04-29. Review status: criteria provided, single submitter. Criteria: Invitae Variant Classification Sherloc (09022015). Collection method: clinical testing. Allele origin: germline.
Comment: This sequence change affects a donor splice site in intron 45 of the NBAS gene. It is expected to disrupt RNA splicing. Variants that disrupt the donor or acceptor splice site typically lead to a loss of protein function (PMID: 16199547), and loss-of-function variants in NBAS are known to be pathogenic (PMID: 26073778, 26541327, 27789416, 28031453). This variant is not present in population databases (gnomAD no frequency). This variant has not been reported in the literature in individuals affected with NBAS-related conditions. ClinVar contains an entry for this variant (Variation ID: 3015440). Algorithms developed to predict the effect of sequence changes on RNA splicing suggest that this variant may disrupt the consensus splice site. In summary, the currently available evidence indicates that the variant is pathogenic, but additional data are needed to prove that conclusively. Therefore, this variant has been classified as Likely Pathogenic.

Literature cited by the submitters: PubMed 16199547; PubMed 26073778; PubMed 26541327; PubMed 27789416; PubMed 28031453.